The following is an entry in ClinVar:

ClinVar aggregate classification (germline): Uncertain significance. Review status: criteria provided, multiple submitters, no conflicts (2 of 4 stars). 2 submissions from 2 submitters: Uncertain significance (2). Last evaluated 2025-01-30.

Conditions:
Hereditary cancer-predisposing syndrome. Also called: Hereditary Cancer Syndrome; Tumor predisposition; Hereditary neoplastic syndrome; Neoplastic Syndromes, Hereditary. Identifiers: Orphanet 140162, MedGen C0027672, MeSH D009386, MONDO:0015356.
Tuberous sclerosis 1 (TSC1). Identifiers: Orphanet 805, MedGen C1854465, MONDO:0008612, OMIM 191100.

Submissions (2):

Ambry Genetics
Classification: Uncertain significance for Hereditary cancer-predisposing syndrome. Last evaluated: 2025-01-30. Review status: criteria provided, single submitter. Criteria: Ambry Variant Classification Scheme 2023. Collection method: clinical testing. Allele origin: germline.
Comment: The c.571C>T (p.L191F) alteration is located in exon 7 (coding exon 5) of the TSC1 gene. This alteration results from a C to T substitution at nucleotide position 571, causing the leucine (L) at amino acid position 191 to be replaced by a phenylalanine (F). This variant was not reported in population-based cohorts in the Genome Aggregation Database (gnomAD). Other variant(s) at the same codon, c.572T>A (p.L191H) and c.572T>G (p.L191R), have been identified in individual(s) with tuberous sclerosis complex (Nellist, 2009; Togi, 2022). This amino acid position is highly conserved in available vertebrate species. This alteration is predicted to be deleterious by in silico analysis. Based on insufficient or conflicting evidence, the clinical significance of this alteration remains unclear.

Labcorp Genetics (formerly Invitae), Labcorp
Classification: Uncertain significance for Tuberous sclerosis 1. Last evaluated: 2024-03-09. Review status: criteria provided, single submitter. Criteria: Invitae Variant Classification Sherloc (09022015). Collection method: clinical testing. Allele origin: germline.
Comment: This sequence change replaces leucine, which is neutral and non-polar, with phenylalanine, which is neutral and non-polar, at codon 191 of the TSC1 protein (p.Leu191Phe). This variant is not present in population databases (gnomAD no frequency). This variant has not been reported in the literature in individuals affected with TSC1-related conditions. ClinVar contains an entry for this variant (Variation ID: 1999080). Advanced modeling of protein sequence and biophysical properties (such as structural, functional, and spatial information, amino acid conservation, physicochemical variation, residue mobility, and thermodynamic stability) performed at Invitae indicates that this missense variant is not expected to disrupt TSC1 protein function with a negative predictive value of 80%. This variant disrupts the p.Leu191 amino acid residue in TSC1. Other variant(s) that disrupt this residue have been determined to be pathogenic (PMID: 18830229, 21309039). This suggests that this residue is clinically significant, and that variants that disrupt this residue are likely to be disease-causing. In summary, the available evidence is currently insufficient to determine the role of this variant in disease. Therefore, it has been classified as a Variant of Uncertain Significance.

Literature cited by the submitters: PubMed 18830229 (cited by Ambry Genetics and Labcorp Genetics (formerly Invitae), Labcorp); PubMed 36232477 (cited by Ambry Genetics); PubMed 21309039 (cited by Labcorp Genetics (formerly Invitae), Labcorp).

NM_000368.5(TSC1):c.571C>T (p.Leu191Phe)

Gene: TSC1 (TSC complex subunit 1; minus strand). Cytogenetic location: 9q34.13.
Variant type: single nucleotide variant.
Coding change: c.571C>T on transcript NM_000368.5 (MANE Select); coding-DNA position 571, C replaced by T.
Protein change: p.Leu191Phe; replaces leucine 191 with phenylalanine.
Molecular consequence: missense variant.
Genome position (GRCh38, 1-based): chr9:132,921,911, G>A on the plus strand (C>T on the coding strand, the complement: TSC1 is on the minus strand). VCF-style: chr9-132921911-G-A. GRCh37 (hg19) VCF-style: chr9-135797298-G-A.
Other names: c.571C>T, p.Leu191Phe (NM_001162426.2, NM_001406592.1, NM_001406593.1 and 16 more transcripts); c.418C>T, p.Leu140Phe (NM_001162427.2, NM_001406610.1, NM_001406611.1 and 2 more transcripts); c.208C>T, p.Leu70Phe (NM_001362177.2, NM_001406614.1, NM_001406615.1 and 10 more transcripts); c.-307C>T (NM_001406626.1, NM_001406627.1, NM_001406628.1); c.-449C>T (NM_001406629.1); c.-523C>T (NM_001406630.1); short protein forms L140F, L191F, L70F.
Identifiers: ClinVar variation 1999080 (VCV001999080.5), dbSNP rs1846585825, ClinGen allele CA375372672.
Genomic context (GRCh38, chr9:132,921,911, plus strand): 5'-CTTTCATACTGTAATGAGAACGCAAAAAGGAGACGAAGTTGCAAGGGTACATTCCATAAA[G>A]GCGATGAAAGAGTGCGTACACACTGGCATGGAGATGGACGAGATAGACTTCCGCCACGTG-3'
Protein context (NP_000359.1, residues 181-201): HASVYALFHR[Leu191Phe]YGMYPCNFVS